The following is an entry in ClinVar:

ClinVar aggregate classification (germline): Uncertain significance (1 of 4 stars; one submission).

Submission:

Labcorp Genetics (formerly Invitae), Labcorp
Classification: Uncertain significance. Last evaluated: 2022-05-12. Review status: criteria provided, single submitter. Criteria: Invitae Variant Classification Sherloc (09022015). Collection method: clinical testing. Allele origin: germline.
Comment: In summary, the available evidence is currently insufficient to determine the role of this variant in disease. Therefore, it has been classified as a Variant of Uncertain Significance. Algorithms developed to predict the effect of missense changes on protein structure and function are either unavailable or do not agree on the potential impact of this missense change (SIFT: "Deleterious"; PolyPhen-2: "Benign"; Align-GVGD: "Class C0"). This variant has not been reported in the literature in individuals affected with DNAH9-related conditions. This variant is not present in population databases (gnomAD no frequency). This sequence change replaces threonine, which is neutral and polar, with arginine, which is basic and polar, at codon 1620 of the DNAH9 protein (p.Thr1620Arg).

NM_001372.4(DNAH9):c.4859C>G (p.Thr1620Arg)

Gene: DNAH9 (dynein axonemal heavy chain 9; plus strand). Cytogenetic location: 17p12.
Variant type: single nucleotide variant.
Coding change: c.4859C>G on transcript NM_001372.4 (MANE Select); coding-DNA position 4859, C replaced by G.
Protein change: p.Thr1620Arg; replaces threonine 1620 with arginine.
Molecular consequence: missense variant.
Genome position (GRCh38, 1-based): chr17:11,694,434, C>G. VCF-style: chr17-11694434-C-G. GRCh37 (hg19) VCF-style: chr17-11597751-C-G.
Other names: short protein forms T1620R.
Identifiers: ClinVar variation 2792490 (VCV002792490.3), dbSNP rs2074392379, ClinGen allele CA398189930.
Genomic context (GRCh38, chr17:11,694,434, plus strand): 5'-CCTTCCCGCGGTTTTACTTTCTCTCCTCCTCCGATCTGTTAGACATCCTTTCCAACGGCA[C>G]AGCTCCACAACAGGTAAGCTGGAGGAGCATCTGCAGAAAGGTCTAGGAGGGCTGAGGGGT-3'
Protein context (NP_001363.2, residues 1610-1630): SDLLDILSNG[Thr1620Arg]APQQVQRHLS